The following is an entry in ClinVar:

ClinVar aggregate classification (germline): Uncertain significance (1 of 4 stars; one submission).

Conditions:
Hepatic veno-occlusive disease-immunodeficiency syndrome. Also called: Hepatic Veno-Occlusive Disease with Immunodeficiency. Identifiers: Orphanet 79124, MedGen C1856128, MONDO:0009338, OMIM 235550. Disease mechanism: loss of function.

Allele frequency attached by ClinVar (database versions not stated): gnomAD exomes below 0.00001 and 0.00001; gnomAD 0.00001; ExAC 0.00002; 1000 Genomes Project 30x 0.00031; 1000 Genomes Project 0.00040.
gnomAD v4.1: 6 of 1,614,046 alleles (0.00037%); highest among the groups gnomAD compares: South Asian, 0.0044%; no homozygotes.

Submission:

Labcorp Genetics (formerly Invitae), Labcorp
Classification: Uncertain significance for Hepatic veno-occlusive disease-immunodeficiency syndrome. Last evaluated: 2020-06-22. Review status: criteria provided, single submitter. Criteria: Invitae Variant Classification Sherloc (09022015). Collection method: clinical testing. Allele origin: germline.
Comment: In summary, the available evidence is currently insufficient to determine the role of this variant in disease. Therefore, it has been classified as a Variant of Uncertain Significance. Algorithms developed to predict the effect of missense changes on protein structure and function output the following: SIFT: "Tolerated"; PolyPhen-2: "Benign"; Align-GVGD: "Class C0". The arginine amino acid residue is found in multiple mammalian species, suggesting that this missense change does not adversely affect protein function. These predictions have not been confirmed by published functional studies and their clinical significance is uncertain. This variant has not been reported in the literature in individuals with SP110-related conditions. This variant is present in population databases (rs577324370, ExAC 0.02%). This sequence change replaces glutamine with arginine at codon 113 of the SP110 protein (p.Gln113Arg). The glutamine residue is weakly conserved and there is a small physicochemical difference between glutamine and arginine.

NM_080424.4(SP110):c.338A>G (p.Gln113Arg)

Genes: SP140 (SP140 nuclear body protein; plus strand), SP110 (SP110 nuclear body protein; minus strand). Cytogenetic location: 2q37.1.
Variant type: single nucleotide variant.
Coding change: c.338A>G on transcript NM_080424.4 (MANE Select); coding-DNA position 338, A replaced by G.
Protein change: p.Gln113Arg; replaces glutamine 113 with arginine.
Molecular consequence: missense variant.
Genome position (GRCh38, 1-based): chr2:230,213,006, T>C on the plus strand (A>G on the coding strand, the complement: SP110 is on the minus strand). VCF-style: chr2-230213006-T-C. GRCh37 (hg19) VCF-style: chr2-231077721-T-C.
Other names: c.356A>G, p.Gln119Arg (NM_001185015.2, NM_001378442.1, NM_001378444.1 and 2 more transcripts); c.338A>G, p.Gln113Arg (NM_001378443.1, NM_001378447.1, NM_004509.5 and 1 more transcripts); short protein forms Q113R, Q119R.
Identifiers: ClinVar variation 1056819 (VCV001056819.7), dbSNP rs577324370, ClinGen allele CA2154850.
Genomic context (GRCh38, chr2:230,213,006, plus strand): 5'-AGGGAGCTTCCTTCTGCTAGGCCAGTTGGGGCTTCAAGTAGGATTGGTGTGTCTCTGCTC[T>C]GCCATTCATAGGAAGCACCAACTGGGATTGGTGAAGGGACACACATCAGTACCCTGGAGA-3'
Protein context (NP_536349.3, residues 103-123): FKRVGASYEW[Gln113Arg]SRDTPILLEA